The following is an entry in ClinVar:

ClinVar aggregate classification (germline): Uncertain significance (1 of 4 stars; one submission).

Conditions:
Hereditary cancer-predisposing syndrome. Also called: Hereditary Cancer Syndrome; Hereditary neoplastic syndrome; Neoplastic Syndromes, Hereditary; Tumor predisposition. Identifiers: Orphanet 140162, MedGen C0027672, MeSH D009386, MONDO:0015356.

Submission:

Ambry Genetics
Classification: Uncertain significance for Hereditary cancer-predisposing syndrome. Last evaluated: 2022-07-01. Review status: criteria provided, single submitter. Criteria: Ambry Variant Classification Scheme 2023. Collection method: clinical testing. Allele origin: germline.
Comment: The p.H515Q variant (also known as c.1545C>G), located in coding exon 5 of the AXIN2 gene, results from a C to G substitution at nucleotide position 1545. The histidine at codon 515 is replaced by glutamine, an amino acid with highly similar properties. This amino acid position is conserved. In addition, this alteration is predicted to be tolerated by in silico analysis. Since supporting evidence is limited at this time, the clinical significance of this alteration remains unclear.

NM_004655.4(AXIN2):c.1545C>G (p.His515Gln)

Gene: AXIN2 (axin 2; minus strand). Cytogenetic location: 17q24.1.
Variant type: single nucleotide variant.
Coding change: c.1545C>G on transcript NM_004655.4 (MANE Select); coding-DNA position 1545, C replaced by G.
Protein change: p.His515Gln; replaces histidine 515 with glutamine.
Molecular consequence: missense variant.
Genome position (GRCh38, 1-based): chr17:65,537,491, G>C on the plus strand (C>G on the coding strand, the complement: AXIN2 is on the minus strand). VCF-style: chr17-65537491-G-C. GRCh37 (hg19) VCF-style: chr17-63533609-G-C.
Other names: c.1545C>G, p.His515Gln (NM_001363813.1); short protein forms H515Q.
Identifiers: ClinVar variation 1774917 (VCV001774917.2), dbSNP rs139316692, ClinGen allele CA400677293.